The following is an entry in ClinVar:

ClinVar aggregate classification (germline): Uncertain significance (1 of 4 stars; one submission).

Conditions:
EPILEPSY, CHILDHOOD ABSENCE, SUSCEPTIBILITY TO, 2 (ECA2). Identifiers: Orphanet 64280, MedGen C1843244, OMIM 607681.
Febrile seizures, familial, 8 (FEB8). Also called: CONVULSIONS, FAMILIAL FEBRILE, 8. Identifiers: Orphanet 36387, MedGen C1969810, MONDO:0011891, OMIM 607681.

Submission:

Labcorp Genetics (formerly Invitae), Labcorp
Classification: Uncertain significance for Febrile seizures, familial, 8; EPILEPSY, CHILDHOOD ABSENCE, SUSCEPTIBILITY TO, 2. Last evaluated: 2023-05-15. Review status: criteria provided, single submitter. Criteria: Invitae Variant Classification Sherloc (09022015). Collection method: clinical testing. Allele origin: germline.
Comment: ClinVar contains an entry for this variant (Variation ID: 1497947). This variant has not been reported in the literature in individuals affected with GABRG2-related conditions. This variant is not present in population databases (gnomAD no frequency). This sequence change replaces cysteine, which is neutral and slightly polar, with phenylalanine, which is neutral and non-polar, at codon 190 of the GABRG2 protein (p.Cys190Phe). In summary, the available evidence is currently insufficient to determine the role of this variant in disease. Therefore, it has been classified as a Variant of Uncertain Significance. Advanced modeling of protein sequence and biophysical properties (such as structural, functional, and spatial information, amino acid conservation, physicochemical variation, residue mobility, and thermodynamic stability) performed at Invitae indicates that this missense variant is expected to disrupt GABRG2 protein function.

NM_198904.4(GABRG2):c.569G>T (p.Cys190Phe)

Gene: GABRG2 (gamma-aminobutyric acid type A receptor subunit gamma2; plus strand). Cytogenetic location: 5q34.
Variant type: single nucleotide variant.
Coding change: c.569G>T on transcript NM_198904.4 (MANE Select); coding-DNA position 569, G replaced by T.
Protein change: p.Cys190Phe; replaces cysteine 190 with phenylalanine.
Molecular consequence: missense variant.
Genome position (GRCh38, 1-based): chr5:162,101,255, G>T. VCF-style: chr5-162101255-G-T. GRCh37 (hg19) VCF-style: chr5-161528261-G-T.
Other names: c.569G>T, p.Cys190Phe (NM_000816.3, NM_001375340.1, NM_001375341.1 and 4 more transcripts); c.560G>T, p.Cys187Phe (NM_001375339.1); c.503G>T, p.Cys168Phe (NM_001375345.1, NM_001375346.1); c.482G>T, p.Cys161Phe (NM_001375347.1); c.149G>T, p.Cys50Phe (NM_001375348.1, NM_001375350.1); c.284G>T, p.Cys95Phe (NM_001375349.1); short protein forms C187F, C190F, C50F, C168F, C95F, C161F.
Identifiers: ClinVar variation 1497947 (VCV001497947.8), dbSNP rs2113352368, ClinGen allele CA362184534.